The following is an entry in ClinVar:

ClinVar aggregate classification (germline): Uncertain significance (1 of 4 stars; one submission).

Allele frequency attached by ClinVar (database versions not stated): TOPMed below 0.00001; gnomAD exomes below 0.00001.
gnomAD v4.1: 2 of 1,613,112 alleles (0.00012%); highest among the groups gnomAD compares: Non-Finnish European, 0.00017%; no homozygotes.

Submission:

Labcorp Genetics (formerly Invitae), Labcorp
Classification: Uncertain significance. Last evaluated: 2025-02-22. Review status: criteria provided, single submitter. Criteria: Invitae Variant Classification Sherloc (09022015). Collection method: clinical testing. Allele origin: germline.
Comment: This sequence change replaces serine, which is neutral and polar, with glycine, which is neutral and non-polar, at codon 65 of the DCHS1 protein (p.Ser65Gly). This variant is present in population databases (no rsID available, gnomAD 0.0009%). This variant has not been reported in the literature in individuals affected with DCHS1-related conditions. ClinVar contains an entry for this variant (Variation ID: 2988156). Invitae Evidence Modeling of protein sequence and biophysical properties (such as structural, functional, and spatial information, amino acid conservation, physicochemical variation, residue mobility, and thermodynamic stability) indicates that this missense variant is not expected to disrupt DCHS1 protein function with a negative predictive value of 80%. In summary, the available evidence is currently insufficient to determine the role of this variant in disease. Therefore, it has been classified as a Variant of Uncertain Significance.

NM_003737.4(DCHS1):c.193A>G (p.Ser65Gly)

Gene: DCHS1 (dachsous cadherin-related 1; minus strand). Cytogenetic location: 11p15.4.
Variant type: single nucleotide variant.
Coding change: c.193A>G on transcript NM_003737.4 (MANE Select); coding-DNA position 193, A replaced by G.
Protein change: p.Ser65Gly; replaces serine 65 with glycine.
Molecular consequence: missense variant.
Genome position (GRCh38, 1-based): chr11:6,641,421, T>C on the plus strand (A>G on the coding strand, the complement: DCHS1 is on the minus strand). VCF-style: chr11-6641421-T-C. GRCh37 (hg19) VCF-style: chr11-6662652-T-C.
Other names: short protein forms S65G.
Identifiers: ClinVar variation 2988156 (VCV002988156.3), dbSNP rs1178292814, ClinGen allele CA379443995.